The following is an entry in ClinVar:

NM_003172.4(SURF1):c.737T>C (p.Ile246Thr)

Gene: SURF1 (SURF1 cytochrome c oxidase assembly factor; minus strand). Cytogenetic location: 9q34.2.
Variant type: single nucleotide variant.
Coding change: c.737T>C on transcript NM_003172.4 (MANE Select); coding-DNA position 737, T replaced by C.
Protein change: p.Ile246Thr; replaces isoleucine 246 with threonine.
Molecular consequence: missense variant.
Genome position (GRCh38, 1-based): chr9:133,352,460, A>G on the plus strand (T>C on the coding strand, the complement: SURF1 is on the minus strand). VCF-style: chr9-133352460-A-G. GRCh37 (hg19) VCF-style: chr9-136219315-A-G.
Other names: c.410T>C, p.Ile137Thr (NM_001280787.1); short protein forms I137T, I246T.
Identifiers: ClinVar variation 2506288 (VCV002506288.2), dbSNP rs1836451011, ClinGen allele CA375693627.

ClinVar aggregate classification (germline): Uncertain significance (1 of 4 stars; one submission).

Allele frequency attached by ClinVar (database versions not stated): TOPMed below 0.00001; gnomAD 0.00001.

Submission:

Women's Health and Genetics/Laboratory Corporation of America, LabCorp
Classification: Uncertain significance. Last evaluated: 2024-06-24. Review status: criteria provided, single submitter. Criteria: LabCorp Variant Classification Summary - May 2015. Collection method: clinical testing. Allele origin: germline.
Comment: Variant summary: SURF1 c.737T>C (p.Ile246Thr) results in a non-conservative amino acid change in the encoded protein sequence. Three of five in-silico tools predict a damaging effect of the variant on protein function. The variant was absent in 251468 control chromosomes. c.737T>C has been reported in the literature in compound heterozygous individuals affected with Leigh Syndrome (Poyau_2000, Pequignot_2001). These data do not allow any conclusion about variant significance. At least one publication reports experimental evidence evaluating an impact on protein function. The most pronounced variant effect results in significantly reduced cytochrome oxidase activity in transfected cells (Dubot_2004). The following publications have been ascertained in the context of this evaluation (PMID: 16120373, 11317352, 10746561). ClinVar contains an entry for this variant (Variation ID: 2506288). Based on the evidence outlined above, the variant was classified as VUS-possibly pathogenic.

Literature cited by the submitters: PubMed 16120373; PubMed 11317352; PubMed 10746561.